The following is an entry in ClinVar:

ClinVar aggregate classification (germline): Benign/Likely benign. Review status: criteria provided, multiple submitters, no conflicts (2 of 4 stars). 3 submissions from 3 submitters: Benign (1); Likely benign (1). 1 of the submissions does not count toward it. Last evaluated 2026-01-19.

Conditions:
MAP3K8-related disorder. Also called: MAP3K8-related condition.

Allele frequency attached by ClinVar (database versions not stated): ESP Exome Variant Server 0.00031; 1000 Genomes Project 30x 0.00047; gnomAD exomes 0.00049; ExAC 0.00052; 1000 Genomes Project 0.00060; TOPMed 0.00067; gnomAD 0.00068 and 0.00069.
gnomAD v4.1: 471 of 1,614,232 alleles (0.029%); highest among the groups gnomAD compares: African/African-American, 0.13%; no homozygotes.

Submissions (3):

Labcorp Genetics (formerly Invitae), Labcorp
Classification: Benign. Last evaluated: 2026-01-19. Review status: criteria provided, single submitter. Criteria: Invitae Variant Classification Sherloc (09022015). Collection method: clinical testing. Allele origin: germline.

Blueprint Genetics
Classification: Likely benign. Last evaluated: 2024-10-30. Review status: criteria provided, single submitter. Criteria: ACMG Guidelines, 2015. Collection method: clinical testing. Allele origin: germline.

PreventionGenetics, part of Exact Sciences
Classification: Likely benign for MAP3K8-related condition. Last evaluated: 2024-04-13. Review status: no assertion criteria provided. Collection method: clinical testing. Allele origin: germline. Not counted in ClinVar's aggregate classification.
Comment: This variant is classified as likely benign based on ACMG/AMP sequence variant interpretation guidelines (Richards et al. 2015 PMID: 25741868, with internal and published modifications).

NM_005204.4(MAP3K8):c.222A>C (p.Ser74=)

Gene: MAP3K8 (mitogen-activated protein kinase kinase kinase 8; plus strand). Cytogenetic location: 10p11.23.
Variant type: single nucleotide variant.
Coding change: c.222A>C on transcript NM_005204.4 (MANE Select); coding-DNA position 222, A replaced by C.
Protein change: p.Ser74=; no amino-acid change (serine 74 retained).
Molecular consequence: synonymous variant.
Genome position (GRCh38, 1-based): chr10:30,439,160, A>C. VCF-style: chr10-30439160-A-C. GRCh37 (hg19) VCF-style: chr10-30728089-A-C.
Other names: c.222A>C (NM_005204.3); c.222A>C, p.Ser74= (NM_001244134.1, NM_001320961.2).
Identifiers: ClinVar variation 1584423 (VCV001584423.11), dbSNP rs55962705, ClinGen allele CA5459608.